The following is an entry in ClinVar:

NM_080916.3(DGUOK):c.462T>A (p.Asn154Lys)

Gene: DGUOK (deoxyguanosine kinase; plus strand). Cytogenetic location: 2p13.1.
Variant type: single nucleotide variant.
Coding change: c.462T>A on transcript NM_080916.3 (MANE Select); coding-DNA position 462, T replaced by A.
Protein change: p.Asn154Lys; replaces asparagine 154 with lysine.
Molecular consequence: missense variant. On other transcripts: non-coding transcript variant (1), intron variant (2).
Genome position (GRCh38, 1-based): chr2:73,950,603, T>A. VCF-style: chr2-73950603-T-A. GRCh37 (hg19) VCF-style: chr2-74177730-T-A.
Other names: p.N154K:AAT>AAA; c.171T>A, p.Asn57Lys (NM_001318860.2, NM_001318861.2); c.153T>A, p.Asn51Lys (NM_001318862.2, NM_001318863.2); c.443+3697T>A (NM_080918.3); c.425+3715T>A (NM_001318859.2); short protein forms N154K, N57K, N51K.
Identifiers: ClinVar variation 214285 (VCV000214285.37), dbSNP rs144181978, ClinGen allele CA320135.

ClinVar aggregate classification (germline): Conflicting classifications of pathogenicity. Review status: criteria provided, conflicting classifications (1 of 4 stars). 13 submissions from 13 submitters: Pathogenic (6); Likely pathogenic (5); Uncertain significance (1). 1 of the submissions does not count toward it. Last evaluated 2026-05-23.

Conditions:
Autosomal recessive DGUOK-related disorders.
Mitochondrial DNA depletion syndrome 3 (hepatocerebral type). Also called: MITOCHONDRIAL DNA DEPLETION SYNDROME 3; Deoxyguanosine Kinase Deficiency; Mitochondrial DNA depletion syndrome, hepatocerebral form due to DGUOK deficiency. Identifiers: Orphanet 279934, MedGen CN074093, MONDO:0009636, OMIM 251880.
Portal hypertension, noncirrhotic, 1 (NCPH1). Identifiers: MedGen CN305369, MONDO:8000013, OMIM 617068.
Progressive external ophthalmoplegia with mitochondrial DNA deletions, autosomal recessive 4. Also called: PROGRESSIVE EXTERNAL OPHTHALMOPLEGIA, AUTOSOMAL RECESSIVE 4; Adult-onset multiple mitochondrial DNA deletion syndrome due to DGUOK deficiency. Identifiers: Orphanet 329314, MedGen C4310733, MONDO:0014899, OMIM 617070.
Inborn genetic diseases. Identifiers: MedGen C0950123, MeSH D030342.
DGUOK-related disorder. Also called: DGUOK-related condition.

Allele frequency attached by ClinVar (database versions not stated): ExAC 0.00012; gnomAD exomes 0.00014; 1000 Genomes Project 30x 0.00016; 1000 Genomes Project 0.00020; gnomAD 0.00021; TOPMed 0.00025; ESP Exome Variant Server 0.00038.
gnomAD v4.1: 435 of 1,614,200 alleles (0.027%); highest among the groups gnomAD compares: Non-Finnish European, 0.035%; no homozygotes.

Submissions (13):

PreventionGenetics, part of Exact Sciences
Classification: Pathogenic for DGUOK-related condition. Last evaluated: 2026-05-23. Review status: criteria provided, single submitter. Criteria: ACMG Guidelines, 2015. Collection method: clinical testing. Allele origin: germline.
Comment: The DGUOK c.462T>A variant is predicted to result in the amino acid substitution p.Asn154Lys. This variant has been reported in the compound heterozygous state in three unrelated individuals presenting with late-onset progressive external ophthalmoplegia (Patients 1 and 2 in Ronchi et al. 2012. PubMed ID: 23043144; Montano et al. 2019. PubMed ID: 30956829). Analysis of muscle tissues of the patients from Ronchi et al. showed a severe defect in DGUOK activity (Ronchi et al. 2012. PubMed ID: 23043144). This variant is reported in 0.029% of alleles in individuals of European (Non-Finnish) descent in gnomAD. This variant is interpreted as pathogenic.

GeneDx
Classification: Likely pathogenic. Last evaluated: 2025-07-25. Review status: criteria provided, single submitter. Criteria: GeneDx Variant Classification Process June 2021. Collection method: clinical testing. Allele origin: germline. Affected: yes.
Comment: In silico analysis supports that this missense variant has a deleterious effect on protein structure/function; This variant is associated with the following publications: (PMID: 23043144, 30956829, 29228108, 30283818, 30393377, 32308999, 33513296, 35114397, 31664448, 29137425, 38756539, 38434220)

CeGaT Center for Human Genetics Tuebingen
Classification: Pathogenic. Last evaluated: 2025-04-01. Review status: criteria provided, single submitter. Criteria: CeGaT Center For Human Genetics Tuebingen Variant Classification Criteria Version 2. Collection method: clinical testing. Allele origin: germline. Affected: yes. Observed: 1 variant allele.
Comment: DGUOK: PM3:Very Strong, PM2

Variantyx, Inc.
Classification: Likely pathogenic for Autosomal recessive DGUOK-related disorders. Last evaluated: 2025-03-21. Review status: criteria provided, single submitter. Criteria: Variantyx Assertion Criteria 2022. Collection method: clinical testing. Allele origin: germline.
Comment: This is a nonsynonymous variant in the DGUOK gene (OMIM: 601465). Pathogenic variants in this gene have been associated with autosomal recessive DGUOK-related disorders. This variant has been identified in the homozygous or compound heterozygous state in at least 5 individual(s) from the published literature (PMID: 23043144, 30956829, 29228108, 30283818, 30393377) (PM3_Strong)}. Multiple computational algorithms predict a deleterious effect for this variant (REVEL score: 0.758) (PP3). This variant has a 0.0353% maximum allele frequency in non-founder control populations (PM2_Supporting). Based on the current evidence, this variant is classified as likely pathogenic for autosomal recessive DGUOK-related disorders.

Labcorp Genetics (formerly Invitae), Labcorp
Classification: Pathogenic. Last evaluated: 2025-01-26. Review status: criteria provided, single submitter. Criteria: Invitae Variant Classification Sherloc (09022015). Collection method: clinical testing. Allele origin: germline.
Comment: This sequence change replaces asparagine, which is neutral and polar, with lysine, which is basic and polar, at codon 154 of the DGUOK protein (p.Asn154Lys). This variant is present in population databases (rs144181978, gnomAD 0.03%). This missense change has been observed in individual(s) with DGUOK-related conditions (PMID: 23043144, 29228108, 30283818, 30956829, 31664448). In at least one individual the data is consistent with being in trans (on the opposite chromosome) from a pathogenic variant. ClinVar contains an entry for this variant (Variation ID: 214285). Invitae Evidence Modeling of protein sequence and biophysical properties (such as structural, functional, and spatial information, amino acid conservation, physicochemical variation, residue mobility, and thermodynamic stability) indicates that this missense variant is expected to disrupt DGUOK protein function with a positive predictive value of 95%. For these reasons, this variant has been classified as Pathogenic.

Blueprint Genetics
Classification: Likely pathogenic for DGUOK-related disorders. Last evaluated: 2024-11-22. Review status: criteria provided, single submitter. Criteria: ACMG Guidelines, 2015. Collection method: clinical testing. Allele origin: germline. Affected: yes. Observed: 5 variant alleles.

Fulgent Genetics
Classification: Pathogenic for Mitochondrial DNA depletion syndrome 3 (hepatocerebral type); Portal hypertension, noncirrhotic, 1; Progressive external ophthalmoplegia with mitochondrial DNA deletions, autosomal recessive 4. Last evaluated: 2024-06-17. Review status: criteria provided, single submitter. Criteria: ACMG Guidelines, 2015. Collection method: clinical testing. Allele origin: germline.

Women's Health and Genetics/Laboratory Corporation of America, LabCorp
Classification: Pathogenic for Mitochondrial DNA depletion syndrome 3 (hepatocerebral type). Last evaluated: 2023-05-05. Review status: criteria provided, single submitter. Criteria: LabCorp Variant Classification Summary - May 2015. Collection method: clinical testing. Allele origin: germline.
Comment: Variant summary: DGUOK c.462T>A (p.Asn154Lys) results in a non-conservative amino acid change located in the deoxynucleoside kinase domain (IPR031314) of the encoded protein sequence. Four of five in-silico tools predict a damaging effect of the variant on protein function. The variant allele was found at a frequency of 0.00014 in 251492 control chromosomes (gnomAD). c.462T>A has been reported in the literature in the compound heterozygous state in at least six individuals with multiple mitochondrial DNA deletions and primarily presenting with progressive external ophthalmoplegia and myopathy (e.g. Ronchi_2012, Komal_2018, Caporali_2018, Montano_2019, Goudenege_2019). These data indicate that the variant is very likely to be associated with Mitochondrial DNA depletion syndrome 3. To our knowledge, no experimental evidence demonstrating an impact on protein function has been reported. The following publications have been ascertained in the context of this evaluation (PMID: 28902392, 30393377, 31664448, 30956829, 23043144, 30283818 , 29228108 ). Seven submitters have provided clinical-significance assessments for this variant to ClinVar after 2014 and classified the variant as either pathogenic (n=3)/likely pathogenic (n=3) or VUS (n=1). Based on the evidence outlined above, the variant was classified as pathogenic.

Ambry Genetics
Classification: Pathogenic for Inborn genetic diseases. Last evaluated: 2022-10-18. Review status: criteria provided, single submitter. Criteria: Ambry Variant Classification Scheme 2023. Collection method: clinical testing. Allele origin: germline.
Comment: The c.462T>A (p.N154K) alteration is located in exon 4 (coding exon 4) of the DGUOK gene. This alteration results from a T to A substitution at nucleotide position 462, causing the asparagine (N) at amino acid position 154 to be replaced by a lysine (K). Based on data from gnomAD, the A allele has an overall frequency of 0.014% (40/282882) total alleles studied. The highest observed frequency was 0.029% (37/129192) of European (non-Finnish) alleles. This alteration has been reported with a second DGUOK variant in multiple individuals with progressive external ophthalmoplegia and other features of adult-onset mitochondrial DNA depletion syndrome (Ronchi, 2012; Caporali, 2018; Komal, 2018; Montano, 2019). This amino acid position is not well conserved in available vertebrate species. This alteration is predicted to be tolerated by in silico analysis. Based on the available evidence, this alteration is classified as pathogenic.

Mayo Clinic Laboratories, Mayo Clinic
Classification: Likely pathogenic. Last evaluated: 2021-12-21. Review status: criteria provided, single submitter. Criteria: ACMG Guidelines, 2015. Collection method: clinical testing. Allele origin: germline.
Comment: PP3, PP4, PM2, PM3, PS4_moderate

Revvity Omics, Revvity
Classification: Likely pathogenic. Last evaluated: 2021-11-30. Review status: criteria provided, single submitter. Criteria: ACMG Guidelines, 2015. Collection method: clinical testing. Allele origin: germline.

Eurofins Ntd Llc (ga)
Classification: Uncertain significance. Last evaluated: 2017-10-12. Review status: criteria provided, single submitter. Criteria: EGL Classification Definitions 2015. Collection method: clinical testing. Allele origin: germline. Observed: 2 variant alleles, 2 heterozygotes.

OMIM
Classification: Pathogenic for PROGRESSIVE EXTERNAL OPHTHALMOPLEGIA WITH MITOCHONDRIAL DNA DELETIONS, AUTOSOMAL RECESSIVE 4. Last evaluated: 2016-08-18. Review status: no assertion criteria provided. Collection method: literature only. Allele origin: germline. Not counted in ClinVar's aggregate classification.

Literature cited by the submitters: PubMed 23043144 (cited by 5 submitters); PubMed 29228108 (cited by 4 submitters); PubMed 30283818 (cited by 4 submitters); PubMed 30956829 (cited by 4 submitters); PubMed 31664448 (cited by 3 submitters); PubMed 28902392 (cited by Women's Health and Genetics/Laboratory Corporation of America, LabCorp); PubMed 30393377 (cited by Women's Health and Genetics/Laboratory Corporation of America, LabCorp); PubMed 29137425 (cited by Mayo Clinic Laboratories, Mayo Clinic).